The following is an entry in ClinVar:

NM_053039.2(UGT2B28):c.684T>C (p.Asp228=)

Gene: UGT2B28 (UDP glucuronosyltransferase family 2 member B28; plus strand). Cytogenetic location: 4q13.2.
Variant type: single nucleotide variant.
Coding change: c.684T>C on transcript NM_053039.2 (MANE Select); coding-DNA position 684, T replaced by C.
Protein change: p.Asp228=; no amino-acid change (aspartic acid 228 retained).
Molecular consequence: synonymous variant.
Genome position (GRCh38, 1-based): chr4:69,281,184, T>C. VCF-style: chr4-69281184-T-C. GRCh37 (hg19) VCF-style: chr4-70146902-T-C.
Other names: c.684T>C, p.Asp228= (NM_001207004.2).
Identifiers: ClinVar variation 2654787 (VCV002654787.24), dbSNP rs138591037, ClinGen allele CA2945804.

ClinVar aggregate classification (germline): Likely benign (1 of 4 stars; one submission).

Allele frequency attached by ClinVar (database versions not stated): ESP Exome Variant Server 0.00128; gnomAD 0.00140; 1000 Genomes Project 30x 0.00156; ExAC 0.00158; 1000 Genomes Project 0.00180.
gnomAD v4.1: 1,987 of 1,542,788 alleles (0.13%); highest among the groups gnomAD compares: South Asian, 0.23%; 279 homozygotes.

Submission:

CeGaT Center for Human Genetics Tuebingen
Classification: Likely benign. Last evaluated: 2024-03-01. Review status: criteria provided, single submitter. Criteria: CeGaT Center For Human Genetics Tuebingen Variant Classification Criteria Version 2. Collection method: clinical testing. Allele origin: germline. Affected: yes. Observed: 4 variant alleles.
Comment: UGT2B28: BP4, BP7, BS2